The following is an entry in ClinVar:

NM_030912.3(TRIM8):c.1267C>T (p.Gln423Ter)

Gene: TRIM8 (tripartite motif containing 8; plus strand). Cytogenetic location: 10q24.32.
Variant type: single nucleotide variant.
Coding change: c.1267C>T on transcript NM_030912.3 (MANE Select); coding-DNA position 1267, C replaced by T.
Protein change: p.Gln423Ter; replaces glutamine 423 with a stop codon.
Molecular consequence: nonsense. On other transcripts: non-coding transcript variant (1).
Genome position (GRCh38, 1-based): chr10:102,656,965, C>T. VCF-style: chr10-102656965-C-T. GRCh37 (hg19) VCF-style: chr10-104416722-C-T.
Other names: c.1171C>T, p.Gln391Ter (NM_001345950.1); short protein forms Q391*, Q423*.
Identifiers: ClinVar variation 986857 (VCV000986857.5), dbSNP rs2064030858, ClinGen allele CA377931803.

ClinVar aggregate classification (germline): Pathogenic. Review status: criteria provided, multiple submitters, no conflicts (2 of 4 stars). 4 submissions from 4 submitters: Pathogenic (3). 1 of the submissions does not count toward it. Last evaluated 2025-10-02.

Conditions:
Focal segmental glomerulosclerosis and neurodevelopmental syndrome. Identifiers: MedGen C5561938, MONDO:0100111, OMIM 619428.
Focal segmental glomerulosclerosis (FSGS). Also called: Glomerulosclerosis, focal; Focal sclerosis with hyalinosis. Identifiers: MedGen C0017668, MONDO:0100313, HP:0000097. Disease mechanism: loss of function.
Neurodevelopmental delay. Identifiers: MedGen C4022738, HP:0012758.
Seizure. Also called: Seizures. Identifiers: MedGen C0036572, HP:0001250.

Submissions (4):

3billion
Classification: Pathogenic for Focal segmental glomerulosclerosis and neurodevelopmental syndrome. Last evaluated: 2025-10-02. Review status: criteria provided, single submitter. Criteria: ACMG Guidelines, 2015. Collection method: clinical testing. Allele origin: germline. Affected: yes.
Comment: The variant is not observed in the gnomAD v4.1.0 dataset. Predicted Consequence/Location: Stop-gained (nonsense): predicted to result in a loss or disruption of normal protein function through protein truncation. The predicted truncated protein may be shortened by more than 10%. The variant has been previously reported as de novo in a similarly affected individual (PMID: 30244534). The variant has been previously reported as assumed (i.e. paternity and maternity not confirmed) de novo in at least one similarly affected unrelated individual (PMID: 30244534). The variant has been reported to be associated with TRIM8-related disorder (ClinVar ID: VCV000986857 /PMID: 30244534). Therefore, this variant is classified as Pathogenic according to the recommendation of ACMG/AMP guideline.

Dasa
Classification: Pathogenic. Last evaluated: 2024-06-07. Review status: criteria provided, single submitter. Criteria: DASA Assertion Criteria. Collection method: clinical testing. Allele origin: germline.
Comment: NM_030912.3(TRIM8):c.1267C>T (p.Gln423*) introduces a premature termination codon predicted to result in loss of normal protein function. Loss-of-function is an established mechanism of disease for this gene. This variant has been reported in individuals with related phenotype. De novo occurrence has been reported in an individual with related phenotype. The variant is present at low frequency in population datasets. Based on the available data, this variant is classified as pathogenic.

Institute of Medical Genetics and Applied Genomics, University Hospital Tübingen
Classification: Pathogenic. Last evaluated: 2020-10-23. Review status: criteria provided, single submitter. Criteria: ACMG Guidelines, 2015. Collection method: clinical testing. Allele origin: germline. Inheritance: Unknown mechanism. Affected: yes.

Yale Center for Mendelian Genomics, Yale University
Classification: Likely pathogenic for Neurodevelopmental delay; Seizure; Focal segmental glomerulosclerosis. Last evaluated: 2021-01-27. Review status: no assertion criteria provided. Collection method: literature only. Allele origin: germline. Affected: yes. Observed: 1 heterozygote. Study: Yale Center for Mendelian Genomics. Not counted in ClinVar's aggregate classification.

Literature cited by the submitters: PubMed 30244534 (cited by 3billion); PubMed 33508234 (cited by Yale Center for Mendelian Genomics, Yale University).